The following is an entry in ClinVar:

ClinVar aggregate classification (germline): Uncertain significance. Review status: criteria provided, multiple submitters, no conflicts (2 of 4 stars). 2 submissions from 2 submitters: Uncertain significance (2). Last evaluated 2025-08-09.

Conditions:
Inborn genetic diseases. Identifiers: MedGen C0950123, MeSH D030342.

gnomAD v4.1: 126 of 1,614,084 alleles (0.0078%); highest among the groups gnomAD compares: African/African-American, 0.16%; no homozygotes.

Submissions (2):

Ambry Genetics
Classification: Uncertain significance for Inborn genetic diseases. Last evaluated: 2025-08-09. Review status: criteria provided, single submitter. Criteria: Ambry Variant Classification Scheme 2023. Collection method: clinical testing. Allele origin: germline.

GeneDx
Classification: Uncertain significance. Last evaluated: 2025-03-13. Review status: criteria provided, single submitter. Criteria: GeneDx Variant Classification Process June 2021. Collection method: clinical testing. Allele origin: germline. Affected: yes.
Comment: In silico analysis indicates that this missense variant does not alter protein structure/function; Has not been previously published as pathogenic or benign to our knowledge

NM_003638.3(ITGA8):c.2512A>G (p.Thr838Ala)

Gene: ITGA8 (integrin subunit alpha 8; minus strand). Cytogenetic location: 10p13.
Variant type: single nucleotide variant.
Coding change: c.2512A>G on transcript NM_003638.3 (MANE Select); coding-DNA position 2512, A replaced by G.
Protein change: p.Thr838Ala; replaces threonine 838 with alanine.
Molecular consequence: missense variant.
Genome position (GRCh38, 1-based): chr10:15,572,336, T>C on the plus strand (A>G on the coding strand, the complement: ITGA8 is on the minus strand). VCF-style: chr10-15572336-T-C. GRCh37 (hg19) VCF-style: chr10-15614335-T-C.
Other names: c.2512A>G (NM_003638.1); c.2467A>G, p.Thr823Ala (NM_001291494.2); short protein forms T823A, T838A.
Identifiers: ClinVar variation 4082917 (VCV004082917.2).